The following is an entry in ClinVar:

NM_004364.5(CEBPA):c.1069_*2del (p.Cys357fs)

Gene: CEBPA (CCAAT enhancer binding protein alpha; minus strand). Cytogenetic location: 19q13.11.
Variant type: Deletion.
Coding change: c.1069_*2del on transcript NM_004364.5 (MANE Select); coding-DNA position 1069 through 2 bases downstream of the stop codon, 11 bases deleted (TGCGCGTGAGG).
Protein change: p.Cys357fs; shifts the reading frame from cysteine 357.
Molecular consequence: frameshift variant.
Genome position (GRCh38, 1-based): chr19:33,301,336-33,301,346, CCTCACGCGCA deleted on the plus strand (TGCGCGTGAGG on the coding strand, the reverse complement: CEBPA is on the minus strand). VCF-style (leftmost placement, unchanged base first): chr19-33301335-GCCTCACGCGCA-G. GRCh37 (hg19) VCF-style: chr19-33792241-GCCTCACGCGCA-G.
Other names: c.712_*2del, p.Cys238fs (NM_001285829.2); c.1174_*2del, p.Cys392fs (NM_001287424.2); c.1027_*2del, p.Cys343fs (NM_001287435.2); short protein forms C392fs, C343fs, C238fs, C357fs.
Identifiers: ClinVar variation 2142267 (VCV002142267.4), dbSNP rs2513327543, ClinGen allele CA2580096787.

ClinVar aggregate classification (germline): Uncertain significance (1 of 4 stars; one submission).

Conditions:
Acute myeloid leukemia (AML). Also called: Acute myeloid leukemia, adult; AML adult; Acute non-lymphocytic leukemia; Acute granulocytic leukemia; Leukemia, acute myeloid, somatic; Leukemia, acute myelogenous, somatic. Identifiers: Orphanet 519, MedGen C0023467, MeSH D015470, MONDO:0018874, OMIM 601626, HP:0004808. Disease mechanism: Constitutively activated FLT3.

Submission:

Labcorp Genetics (formerly Invitae), Labcorp
Classification: Uncertain significance for Acute myeloid leukemia. Last evaluated: 2022-07-21. Review status: criteria provided, single submitter. Criteria: Invitae Variant Classification Sherloc (09022015). Collection method: clinical testing. Allele origin: germline.
Comment: This sequence change disrupts the translational stop signal of the CEBPA mRNA. It is expected to extend the length of the CEBPA protein by 39 additional amino acid residues. This variant is not present in population databases (gnomAD no frequency). This variant has not been reported in the literature in individuals affected with CEBPA-related conditions. In summary, the available evidence is currently insufficient to determine the role of this variant in disease. Therefore, it has been classified as a Variant of Uncertain Significance.